The following is an entry in ClinVar:

ClinVar aggregate classification (germline): Uncertain significance (1 of 4 stars; one submission).

Submission:

Labcorp Genetics (formerly Invitae), Labcorp
Classification: Uncertain significance. Last evaluated: 2023-07-10. Review status: criteria provided, single submitter. Criteria: Invitae Variant Classification Sherloc (09022015). Collection method: clinical testing. Allele origin: germline.
Comment: ClinVar contains an entry for this variant (Variation ID: 2038413). In summary, the available evidence is currently insufficient to determine the role of this variant in disease. Therefore, it has been classified as a Variant of Uncertain Significance. Advanced modeling of protein sequence and biophysical properties (such as structural, functional, and spatial information, amino acid conservation, physicochemical variation, residue mobility, and thermodynamic stability) performed at Invitae indicates that this missense variant is not expected to disrupt IDH3A protein function. This variant has not been reported in the literature in individuals affected with IDH3A-related conditions. This variant is not present in population databases (gnomAD no frequency). This sequence change replaces asparagine, which is neutral and polar, with lysine, which is basic and polar, at codon 281 of the IDH3A protein (p.Asn281Lys).

NM_005530.3(IDH3A):c.843T>A (p.Asn281Lys)

Gene: IDH3A (isocitrate dehydrogenase (NAD(+)) 3 catalytic subunit alpha; plus strand). Cytogenetic location: 15q25.1.
Variant type: single nucleotide variant.
Coding change: c.843T>A on transcript NM_005530.3 (MANE Select); coding-DNA position 843, T replaced by A.
Protein change: p.Asn281Lys; replaces asparagine 281 with lysine.
Molecular consequence: missense variant.
Genome position (GRCh38, 1-based): chr15:78,165,055, T>A. VCF-style: chr15-78165055-T-A. GRCh37 (hg19) VCF-style: chr15-78457397-T-A.
Other names: short protein forms N281K.
Identifiers: ClinVar variation 2038413 (VCV002038413.4), dbSNP rs767259786, ClinGen allele CA393546028.